The following is an entry in ClinVar:

NR_003051.3(RMRP):n.-5delGinsAACTCTGTGAAGCTGAGA

Gene: RMRP (RNA component of mitochondrial RNA processing endoribonuclease; minus strand). Cytogenetic location: 9p13.3.
Variant type: Indel.
Genome position: GRCh38 VCF-style: chr9-35658023-C-TCTCAGCTTCACAGAGTT. GRCh37 (hg19) VCF-style: chr9-35658020-C-TCTCAGCTTCACAGAGTT.
Identifiers: ClinVar variation 4074391 (VCV004074391.2).

ClinVar aggregate classification (germline): Likely pathogenic. Review status: criteria provided, multiple submitters, no conflicts (2 of 4 stars). 2 submissions from 2 submitters: Likely pathogenic (2). Last evaluated 2026-04-06.

Conditions:
Metaphyseal chondrodysplasia, McKusick type (CHH). Also called: Cartilage-hair hypoplasia; Cartilage-Hair Hypoplasia (CHH). Identifiers: Orphanet 175, MedGen C0220748, MONDO:0009595, OMIM 250250.

Submissions (2):

GeneDx
Classification: Likely pathogenic. Last evaluated: 2026-04-06. Review status: criteria provided, single submitter. Criteria: GeneDx Variant Classification Process June 2021. Collection method: clinical testing. Allele origin: germline.
Comment: Duplication, triplication, or insertion variants in the promoter region of the RMRP are expected to disrupt normal gene expression, and this is an established mechanism of disease (PMID: 11207361, 21146796); Not observed at significant frequency in large population cohorts (gnomAD); Has not been previously published as pathogenic or benign to our knowledge; Located in a non-coding RNA; In the absence of RNA/functional studies, the actual effect of this sequence change is unknown; This variant is associated with the following publications: (PMID: 11207361, 21146796)

Natera, Inc.
Classification: Likely pathogenic for Cartilage-hair hypoplasia. Last evaluated: 2025-12-03. Review status: criteria provided, single submitter. Criteria: Natera Variant Classification Schema (03/2026). Collection method: clinical testing. Allele origin: germline.
Comment: The n.-5delGinsAACTCTGTGAAGCTGAGA variant in RMRP is an insertion affecting the RMRP promoter region between the TATA box and the transcription initiation site. Other duplications and insertions just upstream of the transcription initiation site have been reported in individuals affected with cartilage-hair hypoplasia (PMID: 11207361, 17937437). This variant is rare in the general population with a frequency below the threshold expected for the associated phenotype(s). Given the available evidence, this variant is classified as Likely pathogenic.

Literature cited by the submitters: PubMed 11207361 (cited by Natera, Inc.); PubMed 17937437 (cited by Natera, Inc.).